The following is an entry in ClinVar:

NM_004387.4(NKX2-5):c.642T>G (p.Pro214=)

Gene: NKX2-5 (NK2 homeobox 5; minus strand). Cytogenetic location: 5q35.1.
Variant type: single nucleotide variant.
Coding change: c.642T>G on transcript NM_004387.4 (MANE Select); coding-DNA position 642, T replaced by G.
Protein change: p.Pro214=; no amino-acid change (proline 214 retained).
Molecular consequence: synonymous variant. On other transcripts: 3 prime UTR variant (2).
Genome position (GRCh38, 1-based): chr5:173,232,902, A>C on the plus strand (T>G on the coding strand, the complement: NKX2-5 is on the minus strand). VCF-style: chr5-173232902-A-C. GRCh37 (hg19) VCF-style: chr5-172659905-A-C.
Other names: c.*595T>G (NM_001166175.2); c.*441T>G (NM_001166176.2).
Identifiers: ClinVar variation 1753495 (VCV001753495.3), dbSNP rs2480072450, ClinGen allele CA447974755.

ClinVar aggregate classification (germline): Likely benign. Review status: criteria provided, multiple submitters, no conflicts (2 of 4 stars). 2 submissions from 2 submitters: Likely benign (2). Last evaluated 2025-03-31.

Conditions:
Cardiovascular phenotype. Identifiers: MedGen CN230736.
NKX2-5-related disorder. Also called: NKX2-5-related condition.

Submissions (2):

PreventionGenetics, part of Exact Sciences
Classification: Likely benign for NKX2-5-related condition. Last evaluated: 2025-03-31. Review status: criteria provided, single submitter. Criteria: ACMG Guidelines, 2015. Collection method: clinical testing. Allele origin: germline.
Comment: This variant is classified as likely benign based on ACMG/AMP sequence variant interpretation guidelines (Richards et al. 2015 PMID: 25741868, with internal and published modifications).

Ambry Genetics
Classification: Likely benign for Cardiovascular phenotype. Last evaluated: 2020-11-15. Review status: criteria provided, single submitter. Criteria: Ambry Variant Classification Scheme 2023. Collection method: clinical testing. Allele origin: germline.